The following is an entry in ClinVar:

NM_017929.5(PEX26):c.-148C>T

Gene: PEX26 (peroxisomal biogenesis factor 26; plus strand). Cytogenetic location: 22q11.21.
Variant type: single nucleotide variant.
Coding change: c.-148C>T on transcript NM_017929.5; 148 bases upstream of the start codon, C replaced by T.
Genome position (GRCh38, 1-based): chr22:18,077,981, C>T. VCF-style: chr22-18077981-C-T. GRCh37 (hg19) VCF-style: chr22-18560747-C-T.
Identifiers: ClinVar variation 340745 (VCV000340745.10), dbSNP rs115617644, ClinGen allele CA10650846.

ClinVar aggregate classification (germline): Benign/Likely benign. Review status: criteria provided, multiple submitters, no conflicts (2 of 4 stars). 3 submissions from 3 submitters: Benign (1); Likely benign (2). Last evaluated 2019-04-20.

Conditions:
Peroxisome biogenesis disorder 7A (Zellweger). Also called: Peroxisome biogenesis disorder 7A. Identifiers: Orphanet 912, MedGen C3888385, MONDO:0013938, OMIM 614872.

Allele frequency attached by ClinVar (database versions not stated): gnomAD exomes 0.00170; gnomAD 0.01479 and 0.01576; 1000 Genomes Project 0.01777; 1000 Genomes Project 30x 0.01905; TOPMed 0.01656.

Submissions (3):

GeneDx
Classification: Likely benign. Last evaluated: 2019-04-20. Review status: criteria provided, single submitter. Criteria: GeneDx Variant Classification Process June 2021. Collection method: clinical testing. Allele origin: germline. Affected: yes.

Illumina Laboratory Services, Illumina
Classification: Benign for Peroxisome biogenesis disorder 7A (Zellweger). Last evaluated: 2018-01-13. Review status: criteria provided, single submitter. Criteria: ICSL Variant Classification Criteria 13 December 2019. Collection method: clinical testing. Allele origin: germline.
Comment: This variant was observed in the ICSL laboratory as part of a predisposition screen in an ostensibly healthy population. It had not been previously curated by ICSL or reported in the Human Gene Mutation Database (HGMD: prior to June 1st, 2018), and was therefore a candidate for classification through an automated scoring system. Utilizing variant allele frequency, disease prevalence and penetrance estimates, and inheritance mode, an automated score was calculated to assess if this variant is too frequent to cause the disease. Based on the score and internal cut-off values, a variant classified as benign is not then subjected to further curation. The score for this variant resulted in a classification of benign for this disease.

Breakthrough Genomics
Classification: Likely benign. Review status: criteria provided, single submitter. Criteria: ACMG Guidelines, 2015. Collection method: not provided. Allele origin: germline. Inheritance: Autosomal recessive inheritance. Affected: yes.